The following is an entry in ClinVar:

ClinVar aggregate classification (germline): Uncertain significance. Review status: criteria provided, multiple submitters, no conflicts (2 of 4 stars). 4 submissions from 4 submitters: Uncertain significance (4). Last evaluated 2026-07-27.

Conditions:
Epidermolysis bullosa simplex 3, localized or generalized intermediate, with BP230 deficiency (EBS3). Also called: Epidermolysis bullosa simplex, autosomal recessive 2; Epidermolysis bullosa simplex due to BP230 deficiency. Identifiers: Orphanet 412181, MedGen C3809470, MONDO:0014180, OMIM 615425.
Hereditary sensory and autonomic neuropathy type 6. Also called: HSAN VI; Neuropathy, hereditary sensory and autonomic, type VI. Identifiers: Orphanet 314381, MedGen C3539003, MONDO:0013839, OMIM 614653.
Inborn genetic diseases. Identifiers: MedGen C0950123, MeSH D030342.
DST-related disorder. Also called: DST-related condition; DST-related disorders.

Allele frequency attached by ClinVar (database versions not stated): TOPMed 0.00017; ExAC 0.00020; gnomAD 0.00021; ESP Exome Variant Server 0.00034.
gnomAD v4.1: 466 of 1,609,008 alleles (0.029%); highest among the groups gnomAD compares: Non-Finnish European, 0.038%; 1 homozygote.

Submissions (4):

PreventionGenetics, part of Exact Sciences
Classification: Uncertain significance for DST-related condition. Last evaluated: 2026-07-27. Review status: criteria provided, single submitter. Criteria: ACMG Guidelines, 2015. Collection method: clinical testing. Allele origin: germline.
Comment: The DST c.13299G>C variant is predicted to result in the amino acid substitution p.Glu4433Asp. This variant can also be referred to as (c.*113913G>C) with the epithelial specific isoform, NM_001723.5. To our knowledge, this variant has not been reported in the literature. This variant is reported in 0.036% of alleles in individuals of European (non-Finnish) descent in gnomAD. At this time, the clinical significance of this variant is uncertain due to the absence of conclusive functional and genetic evidence.

CeGaT Center for Human Genetics Tuebingen
Classification: Uncertain significance. Last evaluated: 2022-11-01. Review status: criteria provided, single submitter. Criteria: CeGaT Center For Human Genetics Tuebingen Variant Classification Criteria Version 2. Collection method: clinical testing. Allele origin: germline. Affected: yes. Observed: 1 variant allele.
Comment: DST: PM2

Labcorp Genetics (formerly Invitae), Labcorp
Classification: Uncertain significance for Epidermolysis bullosa simplex 3, localized or generalized intermediate, with BP230 deficiency; Hereditary sensory and autonomic neuropathy type 6. Last evaluated: 2022-09-06. Review status: criteria provided, single submitter. Criteria: Invitae Variant Classification Sherloc (09022015). Collection method: clinical testing. Allele origin: germline.
Comment: The DST gene has multiple clinically relevant transcripts. This variant occurs in alternate transcript NM_015548.4, and corresponds to NM_001723.5:c.*113913G>C in the primary transcript. This sequence change replaces glutamic acid, which is acidic and polar, with aspartic acid, which is acidic and polar, at codon 3929 of the DST protein (p.Glu3929Asp). This variant is present in population databases (rs199549741, gnomAD 0.04%). This variant has not been reported in the literature in individuals affected with DST-related conditions. Experimental studies and prediction algorithms are not available or were not evaluated, and the functional significance of this variant is currently unknown. In summary, the available evidence is currently insufficient to determine the role of this variant in disease. Therefore, it has been classified as a Variant of Uncertain Significance.

Ambry Genetics
Classification: Uncertain significance for Inborn genetic diseases. Last evaluated: 2022-05-11. Review status: criteria provided, single submitter. Criteria: Ambry Variant Classification Scheme 2023. Collection method: clinical testing. Allele origin: germline.
Comment: The p.E4433D variant (also known as c.13299G>C), located in coding exon 73 of the DST gene, results from a G to C substitution at nucleotide position 13299. The glutamic acid at codon 4433 is replaced by aspartic acid, an amino acid with highly similar properties. This amino acid position is highly conserved in available vertebrate species. In addition, this alteration is predicted to be tolerated by in silico analysis. Since supporting evidence is limited at this time, the clinical significance of this alteration remains unclear.

NM_001374736.1(DST):c.19656G>C (p.Glu6552Asp)

Gene: DST (dystonin; minus strand). Cytogenetic location: 6p12.1.
Variant type: single nucleotide variant.
Coding change: c.19656G>C on transcript NM_001374736.1 (MANE Select); coding-DNA position 19656, G replaced by C.
Protein change: p.Glu6552Asp; replaces glutamic acid 6552 with aspartic acid.
Molecular consequence: missense variant.
Genome position (GRCh38, 1-based): chr6:56,501,604, C>G on the plus strand (G>C on the coding strand, the complement: DST is on the minus strand). VCF-style: chr6-56501604-C-G. GRCh37 (hg19) VCF-style: chr6-56366402-C-G.
Other names: c.13299G>C, p.Glu4433Asp (NM_001144769.5); c.12885G>C, p.Glu4295Asp (NM_001144770.2); c.19656G>C, p.Glu6552Asp (NM_001374722.1); c.18696G>C, p.Glu6232Asp (NM_001374729.1); c.12438G>C, p.Glu4146Asp (NM_001374730.1); c.19683G>C, p.Glu6561Asp (NM_001374734.1); c.12765G>C, p.Glu4255Asp (NM_001386100.1, NM_183380.4); c.11787G>C, p.Glu3929Asp (NM_015548.5); short protein forms E3929D, E4295D, E4433D, E4255D, E4146D, E6232D, E6552D, E6561D.
Identifiers: ClinVar variation 656895 (VCV000656895.33), dbSNP rs199549741, ClinGen allele CA3866933.